The following is an entry in ClinVar:

ClinVar aggregate classification (germline): Uncertain significance (1 of 4 stars; one submission).

gnomAD v4.1: 1 of 1,611,570 alleles (0.000062%); highest among the groups gnomAD compares: Non-Finnish European, 0.000085%; no homozygotes.

Submission:

Ambry Genetics
Classification: Uncertain significance. Last evaluated: 2025-08-14. Review status: criteria provided, single submitter. Criteria: Ambry Variant Classification Scheme 2023. Collection method: clinical testing. Allele origin: germline.
Comment: The p.S509G variant (also known as c.1525A>G), located in coding exon 8 of the PALLD gene, results from an A to G substitution at nucleotide position 1525. The serine at codon 509 is replaced by glycine, an amino acid with similar properties. This amino acid position is conserved. In addition, this alteration is predicted to be tolerated by in silico analysis. Based on the available evidence, the clinical significance of this variant remains unclear.

NM_001166108.2(PALLD):c.3037A>G (p.Ser1013Gly)

Genes: CBR4 (carbonyl reductase 4; minus strand), PALLD (palladin, cytoskeletal associated protein; plus strand). Cytogenetic location: 4q32.3.
Variant type: single nucleotide variant.
Coding change: c.3037A>G on transcript NM_001166108.2 (MANE Select); coding-DNA position 3037, A replaced by G.
Protein change: p.Ser1013Gly; replaces serine 1013 with glycine.
Molecular consequence: missense variant.
Genome position (GRCh38, 1-based): chr4:168,921,720, A>G. VCF-style: chr4-168921720-A-G. GRCh37 (hg19) VCF-style: chr4-169842871-A-G.
Other names: c.1840A>G, p.Ser614Gly (NM_001166109.2); c.1525A>G, p.Ser509Gly (NM_001166110.2); c.865A>G, p.Ser289Gly (NM_001367567.1, NM_001367569.1); c.916A>G, p.Ser306Gly (NM_001367568.1, NM_001367570.1); c.2986A>G, p.Ser996Gly (NM_016081.4); short protein forms S509G, S996G, S289G, S614G, S1013G, S306G.
Identifiers: ClinVar variation 4130440 (VCV004130440.1).
Genomic context (GRCh38, chr4:168,921,720, plus strand): 5'-TCACGTGATGCCGGCATCTACACATGTATAGCTACCAACCGAGCAGGACAGAACTCATTC[A>G]GCCTGGAGCTTGTGGTTGCTGGTAGGCTCATCTGTGAATCCTTGCTCTCTGACAGAATGA-3'
Protein context (NP_001159580.1, residues 1003-1023): ATNRAGQNSF[Ser1013Gly]LELVVAAKEA